The following is an entry in ClinVar:

NM_000287.4(PEX6):c.2589-11T>G

Gene: PEX6 (peroxisomal biogenesis factor 6; minus strand). Cytogenetic location: 6p21.1.
Variant type: single nucleotide variant.
Coding change: c.2589-11T>G on transcript NM_000287.4 (MANE Select); 11 bases into the intron before coding-DNA position 2589, T replaced by G.
Molecular consequence: intron variant.
Genome position (GRCh38, 1-based): chr6:42,965,163, A>C on the plus strand (T>G on the coding strand, the complement: PEX6 is on the minus strand). VCF-style: chr6-42965163-A-C. GRCh37 (hg19) VCF-style: chr6-42932901-A-C.
Other names: c.2325-11T>G (NM_001316313.2).
Identifiers: ClinVar variation 1996916 (VCV001996916.4), dbSNP rs2481198705, ClinGen allele CA2580074581.

ClinVar aggregate classification (germline): Uncertain significance (1 of 4 stars; one submission).

Conditions:
Peroxisome biogenesis disorder. Identifiers: Orphanet 79189, MedGen C1832200, MONDO:0019234. Disease mechanism: loss of function.

Submission:

Labcorp Genetics (formerly Invitae), Labcorp
Classification: Uncertain significance for Peroxisome biogenesis disorder. Last evaluated: 2022-05-24. Review status: criteria provided, single submitter. Criteria: Invitae Variant Classification Sherloc (09022015). Collection method: clinical testing. Allele origin: germline.
Comment: This sequence change falls in intron 14 of the PEX6 gene. It does not directly change the encoded amino acid sequence of the PEX6 protein. This variant is not present in population databases (gnomAD no frequency). This variant has not been reported in the literature in individuals affected with PEX6-related conditions. Algorithms developed to predict the effect of sequence changes on RNA splicing suggest that this variant may disrupt the consensus splice site. In summary, the available evidence is currently insufficient to determine the role of this variant in disease. Therefore, it has been classified as a Variant of Uncertain Significance.